The following is an entry in ClinVar:

NM_033400.3(ZFHX2):c.5100G>A (p.Glu1700=)

Genes: ZFHX2 (zinc finger homeobox 2; minus strand), THTPA (thiamine triphosphatase; plus strand). Cytogenetic location: 14q11.2.
Variant type: single nucleotide variant.
Coding change: c.5100G>A on transcript NM_033400.3 (MANE Select); coding-DNA position 5100, G replaced by A.
Protein change: p.Glu1700=; no amino-acid change (glutamic acid 1700 retained).
Molecular consequence: synonymous variant.
Genome position (GRCh38, 1-based): chr14:23,524,842, C>T on the plus strand (G>A on the coding strand, the complement: ZFHX2 is on the minus strand). VCF-style: chr14-23524842-C-T. GRCh37 (hg19) VCF-style: chr14-23994051-C-T.
Identifiers: ClinVar variation 3049654 (VCV003049654.2), dbSNP rs975256048, ClinGen allele CA257793308.

ClinVar aggregate classification (germline): Likely benign (0 of 4 stars; one submission).

Conditions:
ZFHX2-related disorder. Also called: ZFHX2-related condition.

Allele frequency attached by ClinVar (database versions not stated): gnomAD exomes 0.00002; gnomAD 0.00012; TOPMed 0.00013.
gnomAD v4.1: 50 of 1,537,004 alleles (0.0033%); highest among the groups gnomAD compares: Admixed American, 0.086%; 1 homozygote.

Submission:

PreventionGenetics, part of Exact Sciences
Classification: Likely benign for ZFHX2-related condition. Last evaluated: 2019-07-09. Review status: no assertion criteria provided. Collection method: clinical testing. Allele origin: germline.
Comment: This variant is classified as likely benign based on ACMG/AMP sequence variant interpretation guidelines (Richards et al. 2015 PMID: 25741868, with internal and published modifications).